The following is an entry in ClinVar:

ClinVar aggregate classification (germline): Benign/Likely benign. Review status: criteria provided, multiple submitters, no conflicts (2 of 4 stars). 3 submissions from 3 submitters: Benign (1); Likely benign (2). Last evaluated 2026-03-01.

Allele frequency attached by ClinVar (database versions not stated): 1000 Genomes Project 0.00060; 1000 Genomes Project 30x 0.00062; gnomAD exomes 0.00312 and 0.00572; ExAC 0.00313; TOPMed 0.00335; gnomAD 0.00364 and 0.00381; ESP Exome Variant Server 0.00369.
gnomAD v4.1: 8,918 of 1,614,030 alleles (0.55%); highest among the groups gnomAD compares: Non-Finnish European, 0.69%; 33 homozygotes.

Submissions (3):

CeGaT Center for Human Genetics Tuebingen
Classification: Likely benign. Last evaluated: 2026-03-01. Review status: criteria provided, single submitter. Criteria: CeGaT Center For Human Genetics Tuebingen Variant Classification Criteria Version 2. Collection method: clinical testing. Allele origin: germline. Affected: yes. Observed: 2 variant alleles.
Comment: NUP205: BP4, BP7, BS2

Labcorp Genetics (formerly Invitae), Labcorp
Classification: Benign. Last evaluated: 2026-01-25. Review status: criteria provided, single submitter. Criteria: Invitae Variant Classification Sherloc (09022015). Collection method: clinical testing. Allele origin: germline.

Blueprint Genetics
Classification: Likely benign. Last evaluated: 2024-11-27. Review status: criteria provided, single submitter. Criteria: ACMG Guidelines, 2015. Collection method: clinical testing. Allele origin: germline.

NM_015135.3(NUP205):c.606A>G (p.Leu202=)

Gene: NUP205 (nucleoporin 205; plus strand). Cytogenetic location: 7q33.
Variant type: single nucleotide variant.
Coding change: c.606A>G on transcript NM_015135.3 (MANE Select); coding-DNA position 606, A replaced by G.
Protein change: p.Leu202=; no amino-acid change (leucine 202 retained).
Molecular consequence: synonymous variant. On other transcripts: 5 prime UTR variant (1).
Genome position (GRCh38, 1-based): chr7:135,577,086, A>G. VCF-style: chr7-135577086-A-G. GRCh37 (hg19) VCF-style: chr7-135261834-A-G.
Other names: c.-480A>G (NM_001329434.2).
Identifiers: ClinVar variation 782950 (VCV000782950.36), dbSNP rs61751960, ClinGen allele CA4497892.